The following is an entry in ClinVar:

ClinVar aggregate classification (germline): Uncertain significance (1 of 4 stars; one submission).

Conditions:
Hereditary cancer-predisposing syndrome. Also called: Neoplastic Syndromes, Hereditary; Tumor predisposition; Hereditary neoplastic syndrome; Hereditary Cancer Syndrome. Identifiers: Orphanet 140162, MedGen C0027672, MeSH D009386, MONDO:0015356.

Submission:

Ambry Genetics
Classification: Uncertain significance for Hereditary cancer-predisposing syndrome. Last evaluated: 2026-07-19. Review status: criteria provided, single submitter. Criteria: Ambry Variant Classification Scheme 2023. Collection method: clinical testing. Allele origin: germline.
Comment: The p.S612T variant (also known as c.1834T>A), located in coding exon 6 of the BLM gene, results from a T to A substitution at nucleotide position 1834. The serine at codon 612 is replaced by threonine, an amino acid with similar properties. This amino acid position is conserved. In addition, this alteration is predicted to be tolerated by in silico analysis. Based on the available evidence, the clinical significance of this variant remains unclear.

NM_000057.4(BLM):c.1834T>A (p.Ser612Thr)

Gene: BLM (BLM RecQ like helicase; plus strand). Cytogenetic location: 15q26.1.
Variant type: single nucleotide variant.
Coding change: c.1834T>A on transcript NM_000057.4 (MANE Select); coding-DNA position 1834, T replaced by A.
Protein change: p.Ser612Thr; replaces serine 612 with threonine.
Molecular consequence: missense variant.
Genome position (GRCh38, 1-based): chr15:90,761,207, T>A. VCF-style: chr15-90761207-T-A. GRCh37 (hg19) VCF-style: chr15-91304437-T-A.
Other names: c.1834T>A, p.Ser612Thr (NM_001287246.2, NM_001287247.2); c.709T>A, p.Ser237Thr (NM_001287248.2); short protein forms S612T, S237T.
Identifiers: ClinVar variation 5032913 (VCV005032913.1).
Genomic context (GRCh38, chr15:90,761,207, plus strand): 5'-CCAATTAAATCAGTATCAGAAAGACTTTCCTCAGCCAAGACAGACTGTCTTCCAGTGTCA[T>A]CTACTGCTCAAAATATAAACTTCTCAGAGTCAATTCAGAATTATACTGGTAAGTTTAAAA-3'
Protein context (NP_000048.1, residues 602-622): SAKTDCLPVS[Ser612Thr]TAQNINFSES